The following is an entry in ClinVar:

ClinVar aggregate classification (germline): Uncertain significance. Review status: criteria provided, multiple submitters, no conflicts (2 of 4 stars). 4 submissions from 4 submitters: Uncertain significance (4). Last evaluated 2024-11-19.

Conditions:
Inborn genetic diseases. Identifiers: MedGen C0950123, MeSH D030342.

Allele frequency attached by ClinVar (database versions not stated): gnomAD 0.00001; TOPMed 0.00003; ExAC 0.00007.
gnomAD v4.1: 75 of 1,612,316 alleles (0.0047%); highest among the groups gnomAD compares: Non-Finnish European, 0.0052%; no homozygotes.

Submissions (4):

Women's Health and Genetics/Laboratory Corporation of America, LabCorp
Classification: Uncertain significance. Last evaluated: 2024-11-19. Review status: criteria provided, single submitter. Criteria: LabCorp Variant Classification Summary - May 2015. Collection method: clinical testing. Allele origin: germline.
Comment: Variant summary: CUL7 c.4951A>C (p.Thr1651Pro) results in a non-conservative amino acid change in the encoded protein sequence. Three of five in-silico tools predict a benign effect of the variant on protein function. The variant allele was found at a frequency of 4.9e-05 in 247254 control chromosomes. This frequency is not significantly higher than estimated for a pathogenic variant in CUL7 causing Three M Syndrome 1 (4.9e-05 vs 0.0011), allowing no conclusion about variant significance. To our knowledge, no occurrence of c.4951A>C in individuals affected with Three M Syndrome 1 and no experimental evidence demonstrating its impact on protein function have been reported. ClinVar contains an entry for this variant (Variation ID: 2136666). Based on the evidence outlined above, the variant was classified as uncertain significance.

Blueprint Genetics
Classification: Uncertain significance. Last evaluated: 2024-11-18. Review status: criteria provided, single submitter. Criteria: ACMG Guidelines, 2015. Collection method: clinical testing. Allele origin: germline.

Labcorp Genetics (formerly Invitae), Labcorp
Classification: Uncertain significance. Last evaluated: 2024-10-18. Review status: criteria provided, single submitter. Criteria: Invitae Variant Classification Sherloc (09022015). Collection method: clinical testing. Allele origin: germline.
Comment: This sequence change replaces threonine, which is neutral and polar, with proline, which is neutral and non-polar, at codon 1651 of the CUL7 protein (p.Thr1651Pro). This variant is present in population databases (rs780899726, gnomAD 0.01%). This variant has not been reported in the literature in individuals affected with CUL7-related conditions. ClinVar contains an entry for this variant (Variation ID: 2136666). Invitae Evidence Modeling of protein sequence and biophysical properties (such as structural, functional, and spatial information, amino acid conservation, physicochemical variation, residue mobility, and thermodynamic stability) indicates that this missense variant is not expected to disrupt CUL7 protein function with a negative predictive value of 80%. In summary, the available evidence is currently insufficient to determine the role of this variant in disease. Therefore, it has been classified as a Variant of Uncertain Significance.

Ambry Genetics
Classification: Uncertain significance for Inborn genetic diseases. Last evaluated: 2024-09-03. Review status: criteria provided, single submitter. Criteria: Ambry Variant Classification Scheme 2023. Collection method: clinical testing. Allele origin: germline.

NM_014780.5(CUL7):c.4951A>C (p.Thr1651Pro)

Gene: CUL7 (cullin 7; minus strand). Cytogenetic location: 6p21.1.
Variant type: single nucleotide variant.
Coding change: c.4951A>C on transcript NM_014780.5 (MANE Select); coding-DNA position 4951, A replaced by C.
Protein change: p.Thr1651Pro; replaces threonine 1651 with proline.
Molecular consequence: missense variant.
Genome position (GRCh38, 1-based): chr6:43,037,834, T>G on the plus strand (A>C on the coding strand, the complement: CUL7 is on the minus strand). VCF-style: chr6-43037834-T-G. GRCh37 (hg19) VCF-style: chr6-43005572-T-G.
Other names: c.4951A>C (NM_014780.4); c.5047A>C, p.Thr1683Pro (NM_001168370.2, NM_001374872.1); c.4963A>C, p.Thr1655Pro (NM_001374873.1); c.4948A>C, p.Thr1650Pro (NM_001374874.1); short protein forms T1651P, T1683P, T1650P, T1655P.
Identifiers: ClinVar variation 2136666 (VCV002136666.7), dbSNP rs780899726, ClinGen allele CA3813070.
Genomic context (GRCh38, chr6:43,037,834, plus strand): 5'-GGGGTGGGTTGGGGCCTGAGGAGCCTGGGTTCAGGGACTCAGTGTGAGGCTCCATGACAG[T>G]CACAGGGACTGCATAGGACAGCACCTGGGGCCGGTCGTCATGGCGTCTCAGCGTGCCCTT-3'
Protein context (NP_055595.2, residues 1641-1661): PQVLSYAVPV[Thr1651Pro]VMEPHTESLN